The following is an entry in ClinVar:

ClinVar aggregate classification (germline): Benign/Likely benign. Review status: criteria provided, multiple submitters, no conflicts (2 of 4 stars). 11 submissions from 11 submitters: Benign (7); Likely benign (2). 2 of the submissions do not count toward it. Last evaluated 2026-02-04.

Conditions:
Neutropenia, severe congenital, 2, autosomal dominant. Identifiers: Orphanet 486, MedGen C2751288, MONDO:0013139, OMIM 613107.

Allele frequency attached by ClinVar (database versions not stated): 1000 Genomes Project 0.01937; 1000 Genomes Project 30x 0.02030; TOPMed 0.03689; gnomAD exomes 0.03967 and 0.05223; gnomAD 0.04029 and 0.04129; ESP Exome Variant Server 0.04060; ExAC 0.04448.
gnomAD v4.1: 81,771 of 1,602,830 alleles (5.1%); highest among the groups gnomAD compares: Non-Finnish European, 5.9%; 2,489 homozygotes.

Submissions (11):

Labcorp Genetics (formerly Invitae), Labcorp
Classification: Benign for Neutropenia, severe congenital, 2, autosomal dominant. Last evaluated: 2026-02-04. Review status: criteria provided, single submitter. Criteria: Invitae Variant Classification Sherloc (09022015). Collection method: clinical testing. Allele origin: germline.

Women's Health and Genetics/Laboratory Corporation of America, LabCorp
Classification: Likely benign. Last evaluated: 2026-01-21. Review status: criteria provided, single submitter. Criteria: LabCorp Variant Classification Summary - May 2015. Collection method: clinical testing. Allele origin: germline.

ARUP Laboratories, Molecular Genetics and Genomics, ARUP Laboratories
Classification: Benign. Last evaluated: 2025-07-03. Review status: criteria provided, single submitter. Criteria: ARUP Molecular Germline Variant Investigation Process 2024. Collection method: clinical testing. Allele origin: germline.

Blueprint Genetics
Classification: Likely benign. Last evaluated: 2024-11-26. Review status: criteria provided, single submitter. Criteria: ACMG Guidelines, 2015. Collection method: clinical testing. Allele origin: germline.

GeneDx
Classification: Benign. Last evaluated: 2021-05-05. Review status: criteria provided, single submitter. Criteria: GeneDx Variant Classification Process June 2021. Collection method: clinical testing. Allele origin: germline. Affected: yes.

Mayo Clinic Laboratories, Mayo Clinic
Classification: Benign. Last evaluated: 2018-05-30. Review status: criteria provided, single submitter. Criteria: ACMG Guidelines, 2015. Collection method: clinical testing. Allele origin: germline. Observed: 84 variant alleles.

Laboratory for Molecular Medicine, Mass General Brigham Personalized Medicine
Classification: Benign. Last evaluated: 2016-03-29. Review status: criteria provided, single submitter. Criteria: LMM Criteria. Collection method: clinical testing. Allele origin: germline.
Comment: Variant identified in a genome or exome case(s) and assessed due to predicted null impact of the variant or pathogenic assertions in the literature or databases. Disclaimer: This variant has not undergone full assessment. The following are preliminary notes: Gene associated with congenital neutropaenia

Breakthrough Genomics
Classification: Benign. Review status: criteria provided, single submitter. Criteria: ACMG Guidelines, 2015. Collection method: not provided. Allele origin: germline. Inheritance: Autosomal dominant inheritance. Affected: yes.

PreventionGenetics, part of Exact Sciences
Classification: Benign. Review status: criteria provided, single submitter. Criteria: ACMG Guidelines, 2015. Collection method: clinical testing. Allele origin: germline.

Genome Diagnostics Laboratory, University Medical Center Utrecht
Classification: Benign. Review status: no assertion criteria provided. Collection method: clinical testing. Allele origin: germline. Affected: yes. Study: VKGL Data-share Consensus. Not counted in ClinVar's aggregate classification.

Laboratory of Diagnostic Genome Analysis, Leiden University Medical Center (LUMC)
Classification: Benign. Review status: no assertion criteria provided. Collection method: clinical testing. Allele origin: germline. Affected: yes. Study: VKGL Data-share Consensus. Not counted in ClinVar's aggregate classification.

NM_005263.5(GFI1):c.107G>A (p.Ser36Asn)

Gene: GFI1 (growth factor independent 1 transcriptional repressor; minus strand). Cytogenetic location: 1p22.1.
Variant type: single nucleotide variant.
Coding change: c.107G>A on transcript NM_005263.5 (MANE Select); coding-DNA position 107, G replaced by A.
Protein change: p.Ser36Asn; replaces serine 36 with asparagine.
Molecular consequence: missense variant.
Genome position (GRCh38, 1-based): chr1:92,483,381, C>T on the plus strand (G>A on the coding strand, the complement: GFI1 is on the minus strand). VCF-style: chr1-92483381-C-T. GRCh37 (hg19) VCF-style: chr1-92948938-C-T.
Other names: c.107G>A, p.Ser36Asn (NM_001127215.3, NM_001127216.3); short protein forms S36N.
Identifiers: ClinVar variation 259699 (VCV000259699.26), dbSNP rs34631763, ClinGen allele CA951503.